The following is an entry in ClinVar:

NM_133496.5(SLC30A7):c.80+6G>C

Genes: SLC30A7 (solute carrier family 30 member 7; plus strand), LOC129931031 (ATAC-STARR-seq lymphoblastoid active region 1388; plus strand). Cytogenetic location: 1p21.2.
Variant type: single nucleotide variant.
Coding change: c.80+6G>C on transcript NM_133496.5 (MANE Select); 6 bases into the intron after coding-DNA position 80, G replaced by C.
Molecular consequence: intron variant.
Genome position (GRCh38, 1-based): chr1:100,896,348, G>C. VCF-style: chr1-100896348-G-C. GRCh37 (hg19) VCF-style: chr1-101361904-G-C.
Other names: c.80+6G>C (NM_001144884.2).
Identifiers: ClinVar variation 1960141 (VCV001960141.5), dbSNP rs1650924830, ClinGen allele CA1004993445.

ClinVar aggregate classification (germline): Uncertain significance (1 of 4 stars; one submission).

Allele frequency attached by ClinVar (database versions not stated): gnomAD 0.00001.

Submission:

Labcorp Genetics (formerly Invitae), Labcorp
Classification: Uncertain significance. Last evaluated: 2022-08-19. Review status: criteria provided, single submitter. Criteria: Invitae Variant Classification Sherloc (09022015). Collection method: clinical testing. Allele origin: germline.
Comment: This variant is not present in population databases (gnomAD no frequency). In summary, the available evidence is currently insufficient to determine the role of this variant in disease. Therefore, it has been classified as a Variant of Uncertain Significance. Variants that disrupt the consensus splice site are a relatively common cause of aberrant splicing (PMID: 17576681, 9536098). Algorithms developed to predict the effect of sequence changes on RNA splicing suggest that this variant is not likely to affect RNA splicing. This variant has not been reported in the literature in individuals affected with SLC30A7-related conditions. This sequence change falls in intron 1 of the SLC30A7 gene. It does not directly change the encoded amino acid sequence of the SLC30A7 protein. It affects a nucleotide within the consensus splice site.

Literature cited by the submitters: PubMed 17576681; PubMed 9536098.